The following is an entry in ClinVar:

ClinVar aggregate classification (germline): Likely pathogenic (1 of 4 stars; one submission).

Conditions:
Emery-Dreifuss muscular dystrophy 4, autosomal dominant (EDMD4). Also called: EMERY-DREIFUSS MUSCULAR DYSTROPHY 4 WITH VARIABLE FEATURES. Identifiers: Orphanet 261, MedGen C2751807, MONDO:0013071, OMIM 612998.
Autosomal recessive ataxia, Beauce type. Also called: SYNE1 Deficiency; Spinocerebellar ataxia, autosomal recessive 8; ATAXIA, RECESSIVE, OF BEAUCE; SYNE1-Related Autosomal Recessive Cerebellar Ataxia. Identifiers: Orphanet 88644, MedGen C1853116, MONDO:0012549, OMIM 610743.
Arthrogryposis multiplex congenita 3, myogenic type. Also called: ARTHROGRYPOSIS MULTIPLEX CONGENITA, MYOGENIC TYPE. Identifiers: MedGen C5193121, MONDO:0032778, OMIM 618484.

Submission:

Juno Genomics, Hangzhou Juno Genomics, Inc
Classification: Likely pathogenic for Arthrogryposis multiplex congenita 3, myogenic type; Emery-Dreifuss muscular dystrophy 4, autosomal dominant; Autosomal recessive ataxia, Beauce type. Review status: criteria provided, single submitter. Criteria: ACMG Guidelines, 2015. Collection method: clinical testing. Allele origin: germline. Affected: yes.
Comment: Null variant in a gene where loss of function (LOF) is a known mechanism of disease.;Absent from controls (or at extremely low frequency if recessive) in Genome Aggregation Database, Exome Sequencing Project, 1000 Genomes Project, or Exome Aggregation Consortium.

NM_182961.4(SYNE1):c.7642C>T (p.Gln2548Ter)

Gene: SYNE1 (spectrin repeat containing nuclear envelope protein 1; minus strand). Cytogenetic location: 6q25.2.
Variant type: single nucleotide variant.
Coding change: c.7642C>T on transcript NM_182961.4 (MANE Select); coding-DNA position 7642, C replaced by T.
Protein change: p.Gln2548Ter; replaces glutamine 2548 with a stop codon.
Molecular consequence: nonsense.
Genome position (GRCh38, 1-based): chr6:152,395,586, G>A on the plus strand (C>T on the coding strand, the complement: SYNE1 is on the minus strand). VCF-style: chr6-152395586-G-A. GRCh37 (hg19) VCF-style: chr6-152716721-G-A.
Other names: c.7663C>T, p.Gln2555Ter (NM_033071.5); short protein forms Q2548*, Q2555*.
Identifiers: ClinVar variation 3382674 (VCV003382674.2).